The following is an entry in ClinVar:

ClinVar aggregate classification (germline): Uncertain significance (1 of 4 stars; one submission).

Conditions:
Polyglucosan body myopathy type 1 (PGBM1). Also called: Polyglucosan body myopathy 1 with or without immunodeficiency; POLYGLUCOSAN BODY MYOPATHY WITHOUT IMMUNODEFICIENCY. Identifiers: Orphanet 329173, Orphanet 397937, MedGen C4014605, MONDO:0014389, OMIM 615895.

Submission:

Labcorp Genetics (formerly Invitae), Labcorp
Classification: Uncertain significance for Polyglucosan body myopathy type 1. Last evaluated: 2021-12-24. Review status: criteria provided, single submitter. Criteria: Invitae Variant Classification Sherloc (09022015). Collection method: clinical testing. Allele origin: germline.
Comment: In summary, the available evidence is currently insufficient to determine the role of this variant in disease. Therefore, it has been classified as a Variant of Uncertain Significance. Algorithms developed to predict the effect of missense changes on protein structure and function output the following: SIFT: "Not Available"; PolyPhen-2: "Benign"; Align-GVGD: "Not Available". The asparagine amino acid residue is found in multiple mammalian species, which suggests that this missense change does not adversely affect protein function. This sequence change replaces threonine, which is neutral and polar, with asparagine, which is neutral and polar, at codon 329 of the RBCK1 protein (p.Thr329Asn). This variant is not present in population databases (gnomAD no frequency). This variant has not been reported in the literature in individuals affected with RBCK1-related conditions.

NM_031229.4(RBCK1):c.986C>A (p.Thr329Asn)

Gene: RBCK1 (RANBP2-type and C3HC4-type zinc finger containing 1; plus strand). Cytogenetic location: 20p13.
Variant type: single nucleotide variant.
Coding change: c.986C>A on transcript NM_031229.4 (MANE Select); coding-DNA position 986, C replaced by A.
Protein change: p.Thr329Asn; replaces threonine 329 with asparagine.
Molecular consequence: missense variant. On other transcripts: non-coding transcript variant (1).
Genome position (GRCh38, 1-based): chr20:422,195, C>A. VCF-style: chr20-422195-C-A. GRCh37 (hg19) VCF-style: chr20-402839-C-A.
Other names: c.476C>A, p.Thr159Asn (NM_001323956.2, NM_001323958.2); c.1037C>A, p.Thr346Asn (NM_001410770.1); c.860C>A, p.Thr287Asn (NM_006462.6); short protein forms T287N, T329N, T346N, T159N.
Identifiers: ClinVar variation 2057566 (VCV002057566.4), dbSNP rs2514524232, ClinGen allele CA407930867.